The following is an entry in ClinVar:

NM_000057.4(BLM):c.3239A>C (p.Asp1080Ala)

Gene: BLM (BLM RecQ like helicase; plus strand). Cytogenetic location: 15q26.1.
Variant type: single nucleotide variant.
Coding change: c.3239A>C on transcript NM_000057.4 (MANE Select); coding-DNA position 3239, A replaced by C.
Protein change: p.Asp1080Ala; replaces aspartic acid 1080 with alanine.
Molecular consequence: missense variant.
Genome position (GRCh38, 1-based): chr15:90,798,218, A>C. VCF-style: chr15-90798218-A-C. GRCh37 (hg19) VCF-style: chr15-91341448-A-C.
Other names: c.3239A>C, p.Asp1080Ala (NM_001287246.2, NM_001287247.2); c.2114A>C, p.Asp705Ala (NM_001287248.2); short protein forms D705A, D1080A.
Identifiers: ClinVar variation 963581 (VCV000963581.12), dbSNP rs775383361, ClinGen allele CA393847158.
Genomic context (GRCh38, chr15:90,798,218, plus strand): 5'-TATAGCAGAAAGTATTCTCTTTTTATTCATAGGATTATAAAACAAGAGATGTGACTGACG[A>C]TGTGAAAAGTATTGTAAGATTTGTTCAAGAACATAGTTCATCACAAGGAATGAGAAATAT-3'
Protein context (NP_000048.1, residues 1070-1090): KDYKTRDVTD[Asp1080Ala]VKSIVRFVQE

ClinVar aggregate classification (germline): Uncertain significance. Review status: criteria provided, multiple submitters, no conflicts (2 of 4 stars). 2 submissions from 2 submitters: Uncertain significance (2). Last evaluated 2024-03-05.

Conditions:
Hereditary cancer-predisposing syndrome. Also called: Tumor predisposition; Hereditary neoplastic syndrome; Hereditary Cancer Syndrome; Neoplastic Syndromes, Hereditary. Identifiers: Orphanet 140162, MedGen C0027672, MeSH D009386, MONDO:0015356.
Bloom syndrome (BLM). Also called: Bloom-Torre-Machacek syndrome. Identifiers: Orphanet 125, MedGen C0005859, MONDO:0008876, OMIM 210900.

Allele frequency attached by ClinVar (database versions not stated): TOPMed below 0.00001.

Submissions (2):

Ambry Genetics
Classification: Uncertain significance for Hereditary cancer-predisposing syndrome. Last evaluated: 2024-03-05. Review status: criteria provided, single submitter. Criteria: Ambry Variant Classification Scheme 2023. Collection method: clinical testing. Allele origin: germline.
Comment: The p.D1080A variant (also known as c.3239A>C), located in coding exon 16 of the BLM gene, results from an A to C substitution at nucleotide position 3239. The aspartic acid at codon 1080 is replaced by alanine, an amino acid with dissimilar properties. This amino acid position is not well conserved in available vertebrate species. In addition, this alteration is predicted to be tolerated by in silico analysis. Since supporting evidence is limited at this time, the clinical significance of this alteration remains unclear.

Labcorp Genetics (formerly Invitae), Labcorp
Classification: Uncertain significance for Bloom syndrome. Last evaluated: 2024-02-14. Review status: criteria provided, single submitter. Criteria: Invitae Variant Classification Sherloc (09022015). Collection method: clinical testing. Allele origin: germline.
Comment: This sequence change replaces aspartic acid, which is acidic and polar, with alanine, which is neutral and non-polar, at codon 1080 of the BLM protein (p.Asp1080Ala). This variant is not present in population databases (gnomAD no frequency). This variant has not been reported in the literature in individuals affected with BLM-related conditions. ClinVar contains an entry for this variant (Variation ID: 963581). Advanced modeling of protein sequence and biophysical properties (such as structural, functional, and spatial information, amino acid conservation, physicochemical variation, residue mobility, and thermodynamic stability) performed at Invitae indicates that this missense variant is not expected to disrupt BLM protein function with a negative predictive value of 80%. In summary, the available evidence is currently insufficient to determine the role of this variant in disease. Therefore, it has been classified as a Variant of Uncertain Significance.